The following is an entry in ClinVar:

NM_153700.2(STRC):c.3080C>G (p.Thr1027Ser)

Gene: STRC (stereocilin; minus strand). Cytogenetic location: 15q15.3.
Variant type: single nucleotide variant.
Coding change: c.3080C>G on transcript NM_153700.2 (MANE Select); coding-DNA position 3080, C replaced by G.
Protein change: p.Thr1027Ser; replaces threonine 1027 with serine.
Molecular consequence: missense variant.
Genome position (GRCh38, 1-based): chr15:43,611,861, G>C on the plus strand (C>G on the coding strand, the complement: STRC is on the minus strand). VCF-style: chr15-43611861-G-C. GRCh37 (hg19) VCF-style: chr15-43904059-G-C.
Other names: short protein forms T1027S.
Identifiers: ClinVar variation 4689891 (VCV004689891.2).

ClinVar aggregate classification (germline): Uncertain significance. Review status: criteria provided, multiple submitters, no conflicts (2 of 4 stars). 2 submissions from 2 submitters: Uncertain significance (2). Last evaluated 2025-07-30.

Conditions:
STRC-related disorder. Also called: STRC-related condition.

Submissions (2):

GeneDx
Classification: Uncertain significance. Last evaluated: 2025-07-30. Review status: criteria provided, single submitter. Criteria: GeneDx Variant Classification Process June 2021. Collection method: clinical testing. Allele origin: germline. Affected: yes.
Comment: In silico analysis suggests that this missense variant does not alter protein structure/function; Has not been previously published as pathogenic or benign to our knowledge

PreventionGenetics, part of Exact Sciences
Classification: Uncertain significance for STRC-related condition. Last evaluated: 2025-05-29. Review status: criteria provided, single submitter. Criteria: ACMG Guidelines, 2015. Collection method: clinical testing. Allele origin: germline.
Comment: The STRC c.3080C>G variant is predicted to result in the amino acid substitution p.Thr1027Ser. To our knowledge, this variant has not been reported in the literature. This variant is reported in 0.35% of alleles in individuals of African descent in gnomAD. At this time, the clinical significance of this variant is uncertain due to the absence of conclusive functional and genetic evidence.